The following is an entry in ClinVar:

NM_001365999.1(SZT2):c.6178del (p.Val2060fs)

Gene: SZT2 (SZT2 subunit of KICSTOR complex; plus strand). Cytogenetic location: 1p34.2.
Variant type: Deletion.
Coding change: c.6178del on transcript NM_001365999.1 (MANE Select); coding-DNA position 6178, one base deleted (G; older notation c.6178delG).
Protein change: p.Val2060fs; shifts the reading frame from valine 2060.
Molecular consequence: frameshift variant.
Genome position (GRCh38, 1-based): chr1:43,437,314, G deleted; the last of 5 consecutive G bases (chr1:43,437,310-43,437,314); deleting any one gives the same sequence. VCF-style (leftmost placement, unchanged base first): chr1-43437309-TG-T. GRCh37 (hg19) VCF-style: chr1-43902980-TG-T.
Other names: c.6007del, p.Val2003fs (NM_015284.4); short protein forms V2003fs, V2060fs.
Identifiers: ClinVar variation 4703677 (VCV004703677.1).

ClinVar aggregate classification (germline): Pathogenic (1 of 4 stars; one submission).

Submission:

Labcorp Genetics (formerly Invitae), Labcorp
Classification: Pathogenic. Last evaluated: 2025-03-11. Review status: criteria provided, single submitter. Criteria: Invitae Variant Classification Sherloc (09022015). Collection method: clinical testing. Allele origin: germline.
Comment: This sequence change creates a premature translational stop signal (p.Val2003Serfs*18) in the SZT2 gene. It is expected to result in an absent or disrupted protein product. Loss-of-function variants in SZT2 are known to be pathogenic (PMID: 23932106, 27248490, 28556953). This variant is not present in population databases (gnomAD no frequency). This variant has not been reported in the literature in individuals affected with SZT2-related conditions. For these reasons, this variant has been classified as Pathogenic.

Literature cited by the submitters: PubMed 23932106; PubMed 27248490; PubMed 28556953.